The following is an entry in ClinVar:

ClinVar aggregate classification (germline): Uncertain significance (1 of 4 stars; one submission).

Conditions:
Duchenne muscular dystrophy (DMD). Also called: MUSCULAR DYSTROPHY, PSEUDOHYPERTROPHIC PROGRESSIVE, DUCHENNE TYPE; Duchenne Muscular Dystrophy (DMD). Identifiers: Orphanet 98896, MedGen C0013264, MONDO:0010679, OMIM 310200.

Submission:

Labcorp Genetics (formerly Invitae), Labcorp
Classification: Uncertain significance for Duchenne muscular dystrophy. Last evaluated: 2023-02-06. Review status: criteria provided, single submitter. Criteria: Invitae Variant Classification Sherloc (09022015). Collection method: clinical testing. Allele origin: germline.
Comment: In summary, the available evidence is currently insufficient to determine the role of this variant in disease. Therefore, it has been classified as a Variant of Uncertain Significance. Advanced modeling of protein sequence and biophysical properties (such as structural, functional, and spatial information, amino acid conservation, physicochemical variation, residue mobility, and thermodynamic stability) performed at Invitae indicates that this missense variant is not expected to disrupt DMD protein function. This variant has not been reported in the literature in individuals affected with DMD-related conditions. This variant is not present in population databases (gnomAD no frequency). This sequence change replaces cysteine, which is neutral and slightly polar, with glycine, which is neutral and non-polar, at codon 1142 of the DMD protein (p.Cys1142Gly).

NM_004006.3(DMD):c.3424T>G (p.Cys1142Gly)

Gene: DMD (dystrophin; minus strand). Cytogenetic location: Xp21.1.
Variant type: single nucleotide variant.
Coding change: c.3424T>G on transcript NM_004006.3 (MANE Select); coding-DNA position 3424, T replaced by G.
Protein change: p.Cys1142Gly; replaces cysteine 1142 with glycine.
Molecular consequence: missense variant.
Genome position (GRCh38, 1-based): chrX:32,463,447, A>C on the plus strand (T>G on the coding strand, the complement: DMD is on the minus strand). VCF-style: chrX-32463447-A-C. GRCh37 (hg19) VCF-style: chrX-32481564-A-C.
Other names: c.3400T>G, p.Cys1134Gly (NM_000109.4); c.3412T>G, p.Cys1138Gly (NM_004009.3); c.3055T>G, p.Cys1019Gly (NM_004010.3); short protein forms C1019G, C1142G, C1138G, C1134G.
Identifiers: ClinVar variation 2814978 (VCV002814978.3), dbSNP rs772957337, ClinGen allele CA412664306.